The following is an entry in ClinVar:

NM_000543.4(SMPD1):c.126_143del (p.Ala44_Leu49del)

Gene: SMPD1 (sphingomyelin phosphodiesterase 1; plus strand). Cytogenetic location: 11p15.4.
Variant type: Microsatellite.
Coding change: c.126_143del on transcript NM_000543.4; coding-DNA positions 126 to 143, 18 bases deleted (GCTGGCGCTGGCGCTGGC).
Protein change: p.Ala44_Leu49del.
Molecular consequence: inframe deletion (on NM_000543.5). On other transcripts: 5 prime UTR variant (1), non-coding transcript variant (2).
Genome position (GRCh38, 1-based): chr11:6,390,724-6,390,741, GCTGGCGCTGGCGCTGGC deleted; deleting any 18 consecutive bases within chr11:6,390,706-6,390,741 gives the same sequence; the c. name uses the placement nearest the transcript's 3' end. VCF-style (leftmost placement, unchanged base first): chr11-6390705-TGCTGGCGCTGGCGCTGGC-T. GRCh37 (hg19) VCF-style: chr11-6411935-TGCTGGCGCTGGCGCTGGC-T.
Other names: c.108GCTGGC[3], p.38AL[3] (NM_000543.5, NM_001007593.3, NM_001318087.2 and 1 more transcripts); c.-854GCTGGC[3] (NM_001318088.2); c.126_143del (NM_000543.5).
Identifiers: ClinVar variation 281329 (VCV000281329.21), dbSNP rs3838786, ClinGen allele CA5852486.
Genomic context (GRCh38, chr11:6,390,705, plus strand): 5'-GCCGGGAGCAGGGACAAGACGGGACCGCCGGAGCCCCCGGACTCCTTTGGATGGGCCTGG[TGCTGGCGCTGGCGCTGGC>T]GCTGGCGCTGGCGCTGGCTCTGTCTGACTCTCGGGTTCTCTGGGCTCCGGCAGAGGCTCA-3'

ClinVar aggregate classification (germline): Benign. Review status: criteria provided, multiple submitters, no conflicts (2 of 4 stars). 6 submissions from 6 submitters: Benign (4). 2 of the submissions do not count toward it. Last evaluated 2026-02-04.

Conditions:
Niemann-Pick disease, type A. Also called: SPHINGOMYELIN LIPIDOSIS; SPHINGOMYELINASE DEFICIENCY; Infantile Neurovisceral ASMD (Niemann-Pick Disease Type A; NPD-A). Identifiers: Orphanet 77292, MedGen C0268242, MONDO:0009756, OMIM 257200. Disease mechanism: loss of function.
Niemann-Pick disease, type B. Also called: Chronic Visceral ASMD (Niemann-Pick Disease Type B; NPD-B). Identifiers: Orphanet 77293, MedGen C0268243, MONDO:0011871, OMIM 607616. Disease mechanism: loss of function.

Submissions (6):

Labcorp Genetics (formerly Invitae), Labcorp
Classification: Benign for Niemann-Pick disease, type B; Niemann-Pick disease, type A. Last evaluated: 2026-02-04. Review status: criteria provided, single submitter. Criteria: Invitae Variant Classification Sherloc (09022015). Collection method: clinical testing. Allele origin: germline.

GeneDx
Classification: Benign. Last evaluated: 2019-02-19. Review status: criteria provided, single submitter. Criteria: GeneDx Variant Classification Process June 2021. Collection method: clinical testing. Allele origin: germline. Affected: yes.

Women's Health and Genetics/Laboratory Corporation of America, LabCorp
Classification: Benign. Last evaluated: 2018-06-05. Review status: criteria provided, single submitter. Criteria: LabCorp Variant Classification Summary - May 2015. Collection method: clinical testing. Allele origin: germline.
Comment: Variant summary: SMPD1 c.126_143del18 (p.Ala44_Leu49del) results in an in-frame deletion that is predicted to remove 6 amino acids from the encoded protein. The variant allele was found at a frequency of 0.0069 in 110368 control chromosomes in the ExAC database, including 43 homozygotes. The observed variant frequency is approximately 3.071 fold of the estimated maximal expected allele frequency for a pathogenic variant in SMPD1 causing Niemann-Pick Disease Type A phenotype (0.0022), strongly suggesting that the variant is benign. To our knowledge, no occurrence of c.126_143del18 in individuals affected with Niemann-Pick Disease Type A and no experimental evidence demonstrating its impact on protein function have been reported. No clinical diagnostic laboratories have submitted clinical-significance assessments for this variant to ClinVar after 2014. Based on the evidence outlined above, the variant was classified as benign.

Eurofins Ntd Llc (ga)
Classification: Benign. Last evaluated: 2015-07-14. Review status: criteria provided, single submitter. Criteria: EGL Classification Definitions 2015. Collection method: clinical testing. Allele origin: germline.

Natera, Inc.
Classification: Benign for Niemann-Pick Disease, Types A/B. Last evaluated: 2017-08-09. Review status: no assertion criteria provided. Collection method: clinical testing. Allele origin: germline. Not counted in ClinVar's aggregate classification.

Mayo Clinic Laboratories, Mayo Clinic
Classification: Benign. Last evaluated: 2017-05-16. Review status: no assertion criteria provided. Collection method: clinical testing. Allele origin: unknown. Not counted in ClinVar's aggregate classification.